The following is an entry in ClinVar:

NM_001330078.2(NRXN1):c.1267G>T (p.Ala423Ser)

Gene: NRXN1 (neurexin 1; minus strand). Cytogenetic location: 2p16.3.
Variant type: single nucleotide variant.
Coding change: c.1267G>T on transcript NM_001330078.2 (MANE Select); coding-DNA position 1267, G replaced by T.
Protein change: p.Ala423Ser; replaces alanine 423 with serine.
Molecular consequence: missense variant.
Genome position (GRCh38, 1-based): chr2:50,620,075, C>A on the plus strand (G>T on the coding strand, the complement: NRXN1 is on the minus strand). VCF-style: chr2-50620075-C-A. GRCh37 (hg19) VCF-style: chr2-50847213-C-A.
Other names: c.1387G>T, p.Ala463Ser (NM_001135659.3); c.1243G>T, p.Ala415Ser (NM_001330077.2, NM_001330082.2, NM_001330095.2); c.1228G>T, p.Ala410Ser (NM_001330083.2, NM_001330084.2); c.1267G>T, p.Ala423Ser (NM_001330085.2, NM_001330086.2, NM_004801.6); c.1183G>T, p.Ala395Ser (NM_001330087.2, NM_001330096.2); c.1213G>T, p.Ala405Ser (NM_001330088.2); c.1264G>T, p.Ala422Ser (NM_001330093.2); c.1255G>T, p.Ala419Ser (NM_001330094.2); short protein forms A395S, A410S, A463S, A419S, A415S, A422S, A405S, A423S.
Identifiers: ClinVar variation 1480302 (VCV001480302.8), dbSNP rs2104240768, ClinGen allele CA346821694.
Genomic context (GRCh38, chr2:50,620,075, plus strand): 5'-TATTTACCTCTTTGAGACAGCCCATAAAGTTGTTACTGACTGGTGACCCTGGAAGGTCGG[C>A]TGTGCTGGGACTGCCTCCAACATAGAAAAAGTCATCAGACCCCAGCATGGTATAATCTTC-3'
Protein context (NP_001317007.1, residues 413-433): FFYVGGSPST[Ala423Ser]DLPGSPVSNN

ClinVar aggregate classification (germline): Uncertain significance (1 of 4 stars; one submission).

Conditions:
Pitt-Hopkins-like syndrome 2 (PTHSL2). Identifiers: Orphanet 221150, Orphanet 600663, MedGen C3280479, MONDO:0013690, OMIM 614325.

Submission:

Labcorp Genetics (formerly Invitae), Labcorp
Classification: Uncertain significance for Pitt-Hopkins-like syndrome 2. Last evaluated: 2022-11-15. Review status: criteria provided, single submitter. Criteria: Invitae Variant Classification Sherloc (09022015). Collection method: clinical testing. Allele origin: germline.
Comment: In summary, the available evidence is currently insufficient to determine the role of this variant in disease. Therefore, it has been classified as a Variant of Uncertain Significance. Algorithms developed to predict the effect of missense changes on protein structure and function are either unavailable or do not agree on the potential impact of this missense change (SIFT: "Tolerated"; PolyPhen-2: "Possibly Damaging"; Align-GVGD: "Class C0"). ClinVar contains an entry for this variant (Variation ID: 1480302). This variant has not been reported in the literature in individuals affected with NRXN1-related conditions. This variant is not present in population databases (gnomAD no frequency). This sequence change replaces alanine, which is neutral and non-polar, with serine, which is neutral and polar, at codon 463 of the NRXN1 protein (p.Ala463Ser).